The following is an entry in ClinVar:

NM_052947.4(ALPK2):c.4272A>T (p.Glu1424Asp)

Genes: ALPK2 (alpha kinase 2; minus strand), LOC126862764 (BRD4-independent group 4 enhancer GRCh37_chr18:56202574-56203773; plus strand). Cytogenetic location: 18q21.31.
Variant type: single nucleotide variant.
Coding change: c.4272A>T on transcript NM_052947.4 (MANE Select); coding-DNA position 4272, A replaced by T.
Protein change: p.Glu1424Asp; replaces glutamic acid 1424 with aspartic acid.
Molecular consequence: missense variant.
Genome position (GRCh38, 1-based): chr18:58,535,915, T>A on the plus strand (A>T on the coding strand, the complement: ALPK2 is on the minus strand). VCF-style: chr18-58535915-T-A. GRCh37 (hg19) VCF-style: chr18-56203147-T-A.
Other names: short protein forms E1424D.
Identifiers: ClinVar variation 3290064 (VCV003290064.1).

ClinVar aggregate classification (germline): Uncertain significance (1 of 4 stars; one submission).

Submission:

Ambry Genetics
Classification: Uncertain significance. Last evaluated: 2024-04-14. Review status: criteria provided, single submitter. Criteria: Ambry Variant Classification Scheme 2023. Collection method: clinical testing. Allele origin: germline.
Comment: The p.E1424D variant (also known as c.4272A>T), located in coding exon 4 of the ALPK2 gene, results from an A to T substitution at nucleotide position 4272. The glutamic acid at codon 1424 is replaced by aspartic acid, an amino acid with highly similar properties. This amino acid position is conserved. In addition, this alteration is predicted to be tolerated by in silico analysis. Based on the available evidence, the clinical significance of this variant remains unclear.